The following is an entry in ClinVar:

ClinVar aggregate classification (germline): Likely benign. Review status: criteria provided, multiple submitters, no conflicts (2 of 4 stars). 2 submissions from 2 submitters: Likely benign (2). Last evaluated 2024-12-17.

Allele frequency attached by ClinVar (database versions not stated): gnomAD 0.00001; gnomAD exomes 0.00001.
gnomAD v4.1: 16 of 1,613,336 alleles (0.00099%); highest among the groups gnomAD compares: African/African-American, 0.0027%; no homozygotes.

Submissions (2):

Labcorp Genetics (formerly Invitae), Labcorp
Classification: Likely benign. Last evaluated: 2024-12-17. Review status: criteria provided, single submitter. Criteria: Invitae Variant Classification Sherloc (09022015). Collection method: clinical testing. Allele origin: germline.

Women's Health and Genetics/Laboratory Corporation of America, LabCorp
Classification: Likely benign. Last evaluated: 2024-03-13. Review status: criteria provided, single submitter. Criteria: LabCorp Variant Classification Summary - May 2015. Collection method: clinical testing. Allele origin: germline.
Comment: Variant summary: IGF1R c.1997-7C>T alters a non-conserved nucleotide located close to a canonical splice site and therefore could affect mRNA splicing, leading to a significantly altered protein sequence. Consensus agreement among computation tools predict no significant impact on normal splicing. However, these predictions have yet to be confirmed by functional studies. The variant allele was found at a frequency of 4e-06 in 251448 control chromosomes. The available data on variant occurrences in the general population are insufficient to allow any conclusion about variant significance. To our knowledge, no occurrence of c.1997-7C>T in individuals affected with Growth Delay Due To Insulin-Like Growth Factor I Resistance and no experimental evidence demonstrating its impact on protein function have been reported. ClinVar contains an entry for this variant (Variation ID: 2169919). Based on the evidence outlined above, the variant was classified as likely benign.

NM_000875.5(IGF1R):c.1997-7C>T

Gene: IGF1R (insulin like growth factor 1 receptor; plus strand). Cytogenetic location: 15q26.3.
Variant type: single nucleotide variant.
Coding change: c.1997-7C>T on transcript NM_000875.5 (MANE Select); 7 bases into the intron before coding-DNA position 1997, C replaced by T.
Molecular consequence: intron variant.
Genome position (GRCh38, 1-based): chr15:98,916,665, C>T. VCF-style: chr15-98916665-C-T. GRCh37 (hg19) VCF-style: chr15-99459894-C-T.
Other names: c.1997-7C>T (NM_001291858.2).
Identifiers: ClinVar variation 2169919 (VCV002169919.6), dbSNP rs1392067183, ClinGen allele CA620299605.